The following is an entry in ClinVar:

ClinVar aggregate classification (germline): Likely pathogenic (1 of 4 stars; one submission).

Conditions:
Retinitis pigmentosa (RP). Identifiers: Orphanet 791, MedGen C0035334, MeSH D012174, MONDO:0019200, OMIM 268000. Inheritance: Autosomal dominant, autosomal recessive and X linked inheritance.

Submission:

Ophthalmic Genetics Group, Institute of Molecular and Clinical Ophthalmology Basel
Classification: Likely pathogenic for Retinitis pigmentosa. Last evaluated: 2023-07-24. Review status: criteria provided, single submitter. Criteria: ACMG Guidelines, 2015. Collection method: research. Allele origin: germline. Affected: yes. Observed: 2 variant alleles.
Comment: Clinical significance based on ACMG v2.0

This variant corresponds to a duplication of exons 32-35 in EYS. Precise genomic coordinates were confirmed by PCR.

Literature cited by the submitters: PubMed 36909829.

NM_001142800.2:c.6425-7585_7056-7439dup

Gene: EYS (EGF-like photoreceptor maintenance factor; minus strand).
Variant type: Duplication.
Other names: NC_000006.11:g.64581690_64799480dup; NP_001278938.1:p.?; c.6425-7585_7056-7439dup (NM_001142800.2).
Identifiers: ClinVar variation 2577514 (VCV002577514.2).